The following is an entry in ClinVar:

ClinVar aggregate classification (germline): Uncertain significance. Review status: criteria provided, multiple submitters, no conflicts (2 of 4 stars). 4 submissions from 4 submitters: Uncertain significance (4). Last evaluated 2024-05-29.

Conditions:
Marinesco-Sjögren syndrome (MSS). Also called: Marinesco-SjÃ¶gren syndrome; Marinesco-Sjogren Syndrome. Identifiers: Orphanet 559, MedGen C0024814, MONDO:0009567, OMIM 248800.

Allele frequency attached by ClinVar (database versions not stated): TOPMed 0.00006; ExAC 0.00007; 1000 Genomes Project 30x 0.00031; 1000 Genomes Project 0.00040.
gnomAD v4.1: 55 of 1,614,048 alleles (0.0034%); highest among the groups gnomAD compares: South Asian, 0.014%; no homozygotes.

Submissions (4):

Revvity Omics, Revvity
Classification: Uncertain significance for Marinesco-Sjögren syndrome. Last evaluated: 2024-05-29. Review status: criteria provided, single submitter. Criteria: ACMG Guidelines, 2015. Collection method: clinical testing. Allele origin: germline.

Athena Diagnostics
Classification: Uncertain significance. Last evaluated: 2022-11-24. Review status: criteria provided, single submitter. Criteria: Athena Diagnostics Criteria. Collection method: clinical testing. Allele origin: unknown.
Comment: Available data are insufficient to determine the clinical significance of the variant at this time. The frequency of this variant in the general population is uninformative in assessment of its pathogenicity. Computational tools disagree on the variant's effect on normal protein function.

Labcorp Genetics (formerly Invitae), Labcorp
Classification: Uncertain significance for Marinesco-Sjögren syndrome. Last evaluated: 2022-08-10. Review status: criteria provided, single submitter. Criteria: Invitae Variant Classification Sherloc (09022015). Collection method: clinical testing. Allele origin: germline.
Comment: This sequence change replaces threonine, which is neutral and polar, with methionine, which is neutral and non-polar, at codon 279 of the SIL1 protein (p.Thr279Met). This variant is present in population databases (rs535287958, gnomAD 0.01%). This variant has not been reported in the literature in individuals affected with SIL1-related conditions. ClinVar contains an entry for this variant (Variation ID: 448387). Algorithms developed to predict the effect of missense changes on protein structure and function are either unavailable or do not agree on the potential impact of this missense change (SIFT: "Deleterious"; PolyPhen-2: "Probably Damaging"; Align-GVGD: "Class C0"). In summary, the available evidence is currently insufficient to determine the role of this variant in disease. Therefore, it has been classified as a Variant of Uncertain Significance.

Fulgent Genetics
Classification: Uncertain significance for Marinesco-Sjögren syndrome. Last evaluated: 2021-09-01. Review status: criteria provided, single submitter. Criteria: ACMG Guidelines, 2015. Collection method: clinical testing. Allele origin: unknown.

NM_022464.5(SIL1):c.836C>T (p.Thr279Met)

Gene: SIL1 (SIL1 nucleotide exchange factor; minus strand). Cytogenetic location: 5q31.2.
Variant type: single nucleotide variant.
Coding change: c.836C>T on transcript NM_022464.5 (MANE Select); coding-DNA position 836, C replaced by T.
Protein change: p.Thr279Met; replaces threonine 279 with methionine.
Molecular consequence: missense variant.
Genome position (GRCh38, 1-based): chr5:138,951,816, G>A on the plus strand (C>T on the coding strand, the complement: SIL1 is on the minus strand). VCF-style: chr5-138951816-G-A. GRCh37 (hg19) VCF-style: chr5-138287505-G-A.
Other names: c.836C>T, p.Thr279Met (NM_001037633.2); short protein forms T279M.
Identifiers: ClinVar variation 448387 (VCV000448387.6), dbSNP rs535287958, ClinGen allele CA3432471.